The following is an entry in ClinVar:

NM_001458.5(FLNC):c.327C>G (p.Arg109=)

Gene: FLNC (filamin C; plus strand). Cytogenetic location: 7q32.1.
Variant type: single nucleotide variant.
Coding change: c.327C>G on transcript NM_001458.5 (MANE Select); coding-DNA position 327, C replaced by G.
Protein change: p.Arg109=; no amino-acid change (arginine 109 retained).
Molecular consequence: synonymous variant.
Genome position (GRCh38, 1-based): chr7:128,830,964, C>G. VCF-style: chr7-128830964-C-G. GRCh37 (hg19) VCF-style: chr7-128471018-C-G.
Other names: c.327C>G (NM_001458.4); c.327C>G, p.Arg109= (NM_001127487.2).
Identifiers: ClinVar variation 1658856 (VCV001658856.12), dbSNP rs750328194, ClinGen allele CA166207321.

ClinVar aggregate classification (germline): Likely benign. Review status: criteria provided, multiple submitters, no conflicts (2 of 4 stars). 3 submissions from 3 submitters: Likely benign (2). 1 of the submissions does not count toward it. Last evaluated 2025-10-13.

Conditions:
FLNC-related disorder. Also called: FLNC-related condition; FLNC-related disorders.
Cardiovascular phenotype. Identifiers: MedGen CN230736.
Hypertrophic cardiomyopathy 26. Also called: Cardiomyopathy, familial hypertrophic, 26. Identifiers: Orphanet 75249, MedGen C4310749, MONDO:0014883, OMIM 617047.
Distal myopathy with posterior leg and anterior hand involvement. Also called: WILLIAMS DISTAL MYOPATHY. Identifiers: Orphanet 63273, MedGen C3279722, MONDO:0013550, OMIM 614065.
Myofibrillar myopathy 5. Also called: Filaminopathy (type); FILAMINOPATHY, AUTOSOMAL DOMINANT. Identifiers: Orphanet 171445, MedGen C1836050, MONDO:0012289, OMIM 609524.

Allele frequency attached by ClinVar (database versions not stated): gnomAD 0.00004.
gnomAD v4.1: 32 of 1,609,566 alleles (0.002%); highest among the groups gnomAD compares: Non-Finnish European, 0.0025%; no homozygotes.

Submissions (3):

Labcorp Genetics (formerly Invitae), Labcorp
Classification: Likely benign for Distal myopathy with posterior leg and anterior hand involvement; Myofibrillar myopathy 5; Hypertrophic cardiomyopathy 26. Last evaluated: 2025-10-13. Review status: criteria provided, single submitter. Criteria: Invitae Variant Classification Sherloc (09022015). Collection method: clinical testing. Allele origin: germline.

Ambry Genetics
Classification: Likely benign for Cardiovascular phenotype. Last evaluated: 2022-12-13. Review status: criteria provided, single submitter. Criteria: Ambry Variant Classification Scheme 2023. Collection method: clinical testing. Allele origin: germline.

PreventionGenetics, part of Exact Sciences
Classification: Likely benign for FLNC-related condition. Last evaluated: 2019-11-04. Review status: no assertion criteria provided. Collection method: clinical testing. Allele origin: germline. Not counted in ClinVar's aggregate classification.
Comment: This variant is classified as likely benign based on ACMG/AMP sequence variant interpretation guidelines (Richards et al. 2015 PMID: 25741868, with internal and published modifications).